The following is an entry in ClinVar:

NM_015409.5(EP400):c.4691-10G>A

Gene: EP400 (E1A binding protein p400; plus strand). Cytogenetic location: 12q24.33.
Variant type: single nucleotide variant.
Coding change: c.4691-10G>A on transcript NM_015409.5 (MANE Select); 10 bases into the intron before coding-DNA position 4691, G replaced by A.
Molecular consequence: intron variant.
Genome position (GRCh38, 1-based): chr12:132,023,767, G>A. VCF-style: chr12-132023767-G-A. GRCh37 (hg19) VCF-style: chr12-132508312-G-A.
Identifiers: ClinVar variation 3052811 (VCV003052811.2), dbSNP rs181828925, ClinGen allele CA6885787.

ClinVar aggregate classification (germline): Likely benign (0 of 4 stars; one submission).

Conditions:
EP400-related disorder. Also called: EP400-related condition.

Allele frequency attached by ClinVar (database versions not stated): gnomAD exomes 0.00001; ExAC 0.00003; gnomAD 0.00011; TOPMed 0.00022; 1000 Genomes Project 30x 0.00031; 1000 Genomes Project 0.00040.
gnomAD v4.1: 44 of 1,610,224 alleles (0.0027%); highest among the groups gnomAD compares: Admixed American, 0.036%; no homozygotes.

Submission:

PreventionGenetics, part of Exact Sciences
Classification: Likely benign for EP400-related condition. Last evaluated: 2019-08-16. Review status: no assertion criteria provided. Collection method: clinical testing. Allele origin: germline.
Comment: This variant is classified as likely benign based on ACMG/AMP sequence variant interpretation guidelines (Richards et al. 2015 PMID: 25741868, with internal and published modifications).